The following is an entry in ClinVar:

NM_001370100.5(ZMYND11):c.1588C>T (p.Gln530Ter)

Genes: ZMYND11 (zinc finger MYND-type containing 11; plus strand), LOC126860802 (BRD4-independent group 4 enhancer GRCh37_chr10:294268-295467; plus strand). Cytogenetic location: 10p15.3.
Variant type: single nucleotide variant.
Coding change: c.1588C>T on transcript NM_001370100.5 (MANE Select); coding-DNA position 1588, C replaced by T.
Protein change: p.Gln530Ter; replaces glutamine 530 with a stop codon.
Molecular consequence: nonsense. On other transcripts: non-coding transcript variant (1).
Genome position (GRCh38, 1-based): chr10:248,990, C>T. VCF-style: chr10-248990-C-T. GRCh37 (hg19) VCF-style: chr10-294930-C-T.
Other names: c.1426C>T, p.Gln476Ter (NM_001370109.2, NM_001370103.2, NM_001370104.2 and 6 more transcripts); c.1333C>T, p.Gln445Ter (NM_001370110.2, NM_001202465.3); c.1423C>T, p.Gln475Ter (NM_001370111.2, NM_001202466.3); c.1537C>T, p.Gln513Ter (NM_001370112.2, NM_001330057.3); c.1495C>T, p.Gln499Ter (NM_001370113.2, NM_001370114.2); c.1585C>T, p.Gln529Ter (NM_001370115.2, NM_212479.4); c.1522C>T, p.Gln508Ter (NM_001370116.2); c.1519C>T, p.Gln507Ter (NM_001370117.2); and 8 more; short protein forms Q373*, Q411*, Q428*, Q436*, Q445*, Q454*, Q475*, Q476*.
Identifiers: ClinVar variation 4282405 (VCV004282405.1).

ClinVar aggregate classification (germline): Pathogenic (1 of 4 stars; one submission).

Submission:

GeneDx
Classification: Pathogenic. Last evaluated: 2025-04-14. Review status: criteria provided, single submitter. Criteria: GeneDx Variant Classification Process June 2021. Collection method: clinical testing. Allele origin: germline. Affected: yes.
Comment: Nonsense variant predicted to result in protein truncation or nonsense mediated decay in a gene for which loss of function is a known mechanism of disease; Not observed at significant frequency in large population cohorts (gnomAD); Has not been previously published as pathogenic or benign to our knowledge